The following is an entry in ClinVar:

ClinVar aggregate classification (germline): Benign. Review status: criteria provided, multiple submitters, no conflicts (2 of 4 stars). 12 submissions from 12 submitters: Benign (9). 3 of the submissions do not count toward it. Last evaluated 2026-02-04.

Conditions:
Cardiovascular phenotype. Identifiers: MedGen CN230736.
Hypertrophic cardiomyopathy 20. Identifiers: MedGen C3151267, MONDO:0013477, OMIM 613876.
Dilated cardiomyopathy 1CC (CMD1CC). Identifiers: Orphanet 154, MedGen C2751084, MONDO:0013147, OMIM 613122.

Allele frequency attached by ClinVar (database versions not stated): ExAC 0.18459; gnomAD exomes 0.20000 and 0.18242; 1000 Genomes Project 30x 0.14491; 1000 Genomes Project 0.15076; TOPMed 0.15251; gnomAD 0.15380 and 0.15456; ESP Exome Variant Server 0.15781.
gnomAD v4.1: 315,352 of 1,613,344 alleles (20%); highest among the groups gnomAD compares: East Asian, 40%; 33,815 homozygotes.

Submissions (12):

Labcorp Genetics (formerly Invitae), Labcorp
Classification: Benign for Dilated cardiomyopathy 1CC; Hypertrophic cardiomyopathy 20. Last evaluated: 2026-02-04. Review status: criteria provided, single submitter. Criteria: Invitae Variant Classification Sherloc (09022015). Collection method: clinical testing. Allele origin: germline.

Blueprint Genetics
Classification: Benign. Last evaluated: 2024-11-26. Review status: criteria provided, single submitter. Criteria: ACMG Guidelines, 2015. Collection method: clinical testing. Allele origin: germline.

Molecular Diagnostic Laboratory for Inherited Cardiovascular Disease, Montreal Heart Institute
Classification: Benign. Last evaluated: 2016-06-18. Review status: criteria provided, single submitter. Criteria: ACMG Guidelines, 2015. Collection method: clinical testing. Allele origin: germline. Affected: yes.

Ambry Genetics
Classification: Benign for Cardiovascular phenotype. Last evaluated: 2015-03-11. Review status: criteria provided, single submitter. Criteria: Ambry Variant Classification Scheme 2023. Collection method: clinical testing. Allele origin: germline.

Mayo Clinic Laboratories, Mayo Clinic
Classification: Benign. Last evaluated: 2014-05-08. Review status: criteria provided, single submitter. Criteria: ACMG Guidelines, 2015. Collection method: clinical testing. Allele origin: germline. Observed: 510 variant alleles.

GeneDx
Classification: Benign. Last evaluated: 2013-01-31. Review status: criteria provided, single submitter. Criteria: GeneDx Variant Classification (06012015). Collection method: clinical testing. Allele origin: germline. Affected: yes.
Comment: This variant is considered likely benign or benign based on one or more of the following criteria: it is a conservative change, it occurs at a poorly conserved position in the protein, it is predicted to be benign by multiple in silico algorithms, and/or has population frequency not consistent with disease.

Laboratory for Molecular Medicine, Mass General Brigham Personalized Medicine
Classification: Benign. Last evaluated: 2011-08-24. Review status: criteria provided, single submitter. Criteria: LMM Criteria. Collection method: clinical testing. Allele origin: germline. Observed: 875 variant alleles.

Breakthrough Genomics
Classification: Benign. Review status: criteria provided, single submitter. Criteria: ACMG Guidelines, 2015. Collection method: not provided. Allele origin: germline. Inheritance: Autosomal dominant inheritance. Affected: yes.

PreventionGenetics, part of Exact Sciences
Classification: Benign. Review status: criteria provided, single submitter. Criteria: ACMG Guidelines, 2015. Collection method: clinical testing. Allele origin: germline.

Clinical Genetics DNA and cytogenetics Diagnostics Lab, Erasmus MC, Erasmus Medical Center
Classification: Benign. Review status: no assertion criteria provided. Collection method: clinical testing. Allele origin: germline. Affected: yes. Study: VKGL Data-share Consensus. Not counted in ClinVar's aggregate classification.

Clinical Genetics, Academic Medical Center
Classification: Benign. Review status: no assertion criteria provided. Collection method: clinical testing. Allele origin: germline. Affected: yes. Study: VKGL Data-share Consensus. Not counted in ClinVar's aggregate classification.

Diagnostic Laboratory, Department of Genetics, University Medical Center Groningen
Classification: Benign. Review status: no assertion criteria provided. Collection method: clinical testing. Allele origin: germline. Affected: yes. Study: VKGL Data-share Consensus. Not counted in ClinVar's aggregate classification.

NM_144573.4(NEXN):c.733G>A (p.Gly245Arg)

Gene: NEXN (nexilin F-actin binding protein; plus strand). Cytogenetic location: 1p31.1.
Variant type: single nucleotide variant.
Coding change: c.733G>A on transcript NM_144573.4 (MANE Select); coding-DNA position 733, G replaced by A.
Protein change: p.Gly245Arg; replaces glycine 245 with arginine.
Molecular consequence: missense variant.
Genome position (GRCh38, 1-based): chr1:77,926,761, G>A. VCF-style: chr1-77926761-G-A. GRCh37 (hg19) VCF-style: chr1-78392446-G-A.
Other names: p.G245R:GGA>AGA; c.541G>A, p.Gly181Arg (NM_001172309.2); short protein forms G245R, G181R.
Identifiers: ClinVar variation 47911 (VCV000047911.31), dbSNP rs1166698, ClinGen allele CA142168.